The following is an entry in ClinVar:

NC_000001.11:g.215125877C>A

Genes: KCNK2 (potassium two pore domain channel subfamily K member 2; plus strand), USH2A (usherin; minus strand). Cytogenetic location: 1q41.
Variant type: single nucleotide variant.
Molecular consequence: intron variant (on NM_001017425.3).
Genome position: GRCh38 VCF-style: chr1-215125877-C-A. GRCh37 (hg19) VCF-style: chr1-215299220-C-A.
Other names: c.463+1127C>A (NM_001017424.3); c.475+1127C>A (NM_001017425.3); c.430+1127C>A (NM_014217.4).
Identifiers: ClinVar variation 4978983 (VCV004978983.1).

ClinVar aggregate classification (germline): Benign (1 of 4 stars; one submission).

Conditions:
USH2A-related disorder. Also called: USH2A-related condition; USH2A-related disorders. Identifiers: MedGen CN239332.

gnomAD v4.1: 115,242 of 149,694 alleles (77%); highest among the groups gnomAD compares: Non-Finnish European, 79%; 44,613 homozygotes.

Submission:

PreventionGenetics, part of Exact Sciences
Classification: Benign for USH2A-related condition. Last evaluated: 2025-04-28. Review status: criteria provided, single submitter. Criteria: ACMG Guidelines, 2015. Collection method: clinical testing. Allele origin: germline.
Comment: This variant is classified as benign based on ACMG/AMP sequence variant interpretation guidelines (Richards et al. 2015 PMID: 25741868, with internal and published modifications).